The following is an entry in ClinVar:

NC_000021.9:g.46119791_46119798dup

Gene: COL6A2 (collagen type VI alpha 2 chain; plus strand). Cytogenetic location: 21q22.3.
Variant type: Duplication.
Genome position: GRCh38 VCF-style: chr21-46119783-T-TGCAGGGGC. GRCh37 (hg19) VCF-style: chr21-47539697-T-TGCAGGGGC.
Identifiers: ClinVar variation 1987437 (VCV001987437.4), ClinGen allele CA749805953.

ClinVar aggregate classification (germline): Pathogenic (1 of 4 stars; one submission).

Conditions:
Bethlem myopathy 1A. Also called: MYOPATHY, BENIGN CONGENITAL, WITH CONTRACTURES; Bethlem myopathy 1; Bethlem Muscular Dystrophy. Identifiers: Orphanet 610, MedGen CN029274, MONDO:0024530, OMIM 158810.

Submission:

Labcorp Genetics (formerly Invitae), Labcorp
Classification: Pathogenic for Bethlem myopathy 1A. Last evaluated: 2022-10-17. Review status: criteria provided, single submitter. Criteria: Invitae Variant Classification Sherloc (09022015). Collection method: clinical testing. Allele origin: germline.
Comment: For these reasons, this variant has been classified as Pathogenic. This sequence change creates a premature translational stop signal (p.Asp428Alafs*120) in the COL6A2 gene. It is expected to result in an absent or disrupted protein product. Loss-of-function variants in COL6A2 are known to be pathogenic (PMID: 19884007, 20976770). This variant is not present in population databases (gnomAD no frequency). This variant has not been reported in the literature in individuals affected with COL6A2-related conditions. ClinVar contains an entry for this variant (Variation ID: 1324141). Algorithms developed to predict the effect of sequence changes on RNA splicing suggest that this variant may disrupt the consensus splice site.

Literature cited by the submitters: PubMed 19884007; PubMed 20976770.